The following is an entry in ClinVar:

ClinVar aggregate classification (germline): Conflicting classifications of pathogenicity. Review status: criteria provided, conflicting classifications (1 of 4 stars). 5 submissions from 5 submitters: Uncertain significance (4); Benign (1). Last evaluated 2025-10-23.

Conditions:
IMPG1-related disorder. Also called: IMPG1-related condition.
Retinal dystrophy. Also called: Inherited retinal dystrophy. Identifiers: Orphanet 71862, MedGen C0854723, MeSH D058499, MONDO:0019118, HP:0000556.

Allele frequency attached by ClinVar (database versions not stated): gnomAD exomes 0.00012; ESP Exome Variant Server 0.00015; ExAC 0.00016.
gnomAD v4.1: 108 of 1,613,768 alleles (0.0067%); highest among the groups gnomAD compares: East Asian, 0.016%; no homozygotes.

Submissions (5):

Labcorp Genetics (formerly Invitae), Labcorp
Classification: Uncertain significance. Last evaluated: 2025-10-23. Review status: criteria provided, single submitter. Criteria: Invitae Variant Classification Sherloc (09022015). Collection method: clinical testing. Allele origin: germline.
Comment: This sequence change replaces methionine, which is neutral and non-polar, with isoleucine, which is neutral and non-polar, at codon 515 of the IMPG1 protein (p.Met515Ile). This variant is present in population databases (rs376133758, gnomAD 0.03%). This variant has not been reported in the literature in individuals affected with IMPG1-related conditions. ClinVar contains an entry for this variant (Variation ID: 1441849). An algorithm developed to predict the effect of missense changes on protein structure and function outputs the following: PolyPhen-2: "Benign". The isoleucine amino acid residue is found in multiple mammalian species, which suggests that this missense change does not adversely affect protein function. In summary, the available evidence is currently insufficient to determine the role of this variant in disease. Therefore, it has been classified as a Variant of Uncertain Significance.

PreventionGenetics, part of Exact Sciences
Classification: Uncertain significance for IMPG1-related condition. Last evaluated: 2025-03-20. Review status: criteria provided, single submitter. Criteria: ACMG Guidelines, 2015. Collection method: clinical testing. Allele origin: germline.
Comment: The IMPG1 c.1545G>A variant is predicted to result in the amino acid substitution p.Met515Ile. To our knowledge, this variant has not been reported in the literature. This variant is reported in 0.028% of alleles in individuals of European (Non-Finnish) descent in gnomAD. At this time, the clinical significance of this variant is uncertain due to the absence of conclusive functional and genetic evidence.

Dept Of Ophthalmology, Nagoya University
Classification: Benign for Retinal dystrophy. Last evaluated: 2023-10-01. Review status: criteria provided, single submitter. Criteria: Submitter's publication. Collection method: research. Allele origin: germline. Affected: yes.

Revvity Omics, Revvity
Classification: Uncertain significance. Last evaluated: 2023-07-26. Review status: criteria provided, single submitter. Criteria: ACMG Guidelines, 2015. Collection method: clinical testing. Allele origin: germline.

Blueprint Genetics
Classification: Uncertain significance. Last evaluated: 2023-06-20. Review status: criteria provided, single submitter. Criteria: ACMG Guidelines, 2015. Collection method: clinical testing. Allele origin: germline.

NM_001563.4(IMPG1):c.1545G>A (p.Met515Ile)

Gene: IMPG1 (interphotoreceptor matrix proteoglycan 1; minus strand). Cytogenetic location: 6q14.1.
Variant type: single nucleotide variant.
Coding change: c.1545G>A on transcript NM_001563.4 (MANE Select); coding-DNA position 1545, G replaced by A.
Protein change: p.Met515Ile; replaces methionine 515 with isoleucine.
Molecular consequence: missense variant.
Genome position (GRCh38, 1-based): chr6:75,950,841, C>T on the plus strand (G>A on the coding strand, the complement: IMPG1 is on the minus strand). VCF-style: chr6-75950841-C-T. GRCh37 (hg19) VCF-style: chr6-76660558-C-T.
Other names: c.1311G>A, p.Met437Ile (NM_001282368.2); c.1545G>A (NM_001563.3); short protein forms M515I, M437I.
Identifiers: ClinVar variation 1441849 (VCV001441849.11), dbSNP rs376133758, ClinGen allele CA3898097.
Genomic context (GRCh38, chr6:75,950,841, plus strand): 5'-CTCTGGTACCTCAGATGGGGCAGGAGTGTCAGACAGATCCATTTCATCTAGGTGTCTGAC[C>T]ATATCTTCGCCACCTGCACTTGATCGGCTGTCATCTGAAGATGCAGGTGGATGTGAAATT-3'
Protein context (NP_001554.2, residues 505-525): DSRSSAGGED[Met515Ile]VRHLDEMDLS